The following is an entry in ClinVar:

NM_030667.3(PTPRO):c.1438A>T (p.Arg480Trp)

Gene: PTPRO (protein tyrosine phosphatase receptor type O; plus strand). Cytogenetic location: 12p12.3.
Variant type: single nucleotide variant.
Coding change: c.1438A>T on transcript NM_030667.3 (MANE Select); coding-DNA position 1438, A replaced by T.
Protein change: p.Arg480Trp; replaces arginine 480 with tryptophan.
Molecular consequence: missense variant.
Genome position (GRCh38, 1-based): chr12:15,508,741, A>T. VCF-style: chr12-15508741-A-T. GRCh37 (hg19) VCF-style: chr12-15661675-A-T.
Other names: c.1438A>T, p.Arg480Trp (NM_002848.4); short protein forms R480W.
Identifiers: ClinVar variation 3149554 (VCV003149554.2), dbSNP rs775867094, ClinGen allele CA6466507.
Genomic context (GRCh38, chr12:15,508,741, plus strand): 5'-TACAACAGCACCATTGTGTCTGTGGTGTCGCTGACCTGCCAGAAACAAAAGGAGAGCCAG[A>T]GGCTTGAAAAGCAGTACTGCACTCAGGTAAAGGAGAGGAAATGAGAATGGGCTCGCCGGT-3'
Protein context (NP_109592.1, residues 470-490): LTCQKQKESQ[Arg480Trp]LEKQYCTQVN

ClinVar aggregate classification (germline): Uncertain significance. Review status: criteria provided, multiple submitters, no conflicts (2 of 4 stars). 2 submissions from 2 submitters: Uncertain significance (2). Last evaluated 2024-02-19.

Conditions:
Nephrotic syndrome, type 6 (NPHS6). Identifiers: Orphanet 656, MedGen C3280100, MONDO:0013619, OMIM 614196.

gnomAD v4.1: 1 of 1,614,152 alleles (0.000062%); highest among the groups gnomAD compares: East Asian, 0.0022%; no homozygotes.

Submissions (2):

Fulgent Genetics
Classification: Uncertain significance for Nephrotic syndrome, type 6. Last evaluated: 2024-02-19. Review status: criteria provided, single submitter. Criteria: ACMG Guidelines, 2015. Collection method: clinical testing. Allele origin: germline.

Ambry Genetics
Classification: Uncertain significance. Last evaluated: 2023-09-25. Review status: criteria provided, single submitter. Criteria: Ambry Variant Classification Scheme 2023. Collection method: clinical testing. Allele origin: germline.
Comment: Does not currently meet published gene-disease clinical validity criteria Based on insufficient or conflicting evidence, the clinical significance of this alteration remains unclear.

Literature cited by the submitters: PubMed 28106320 (cited by Ambry Genetics).